The following is an entry in ClinVar:

NM_021224.6(ZNF462):c.2536A>G (p.Lys846Glu)

Gene: ZNF462 (zinc finger protein 462; plus strand). Cytogenetic location: 9q31.2.
Variant type: single nucleotide variant.
Coding change: c.2536A>G on transcript NM_021224.6 (MANE Select); coding-DNA position 2536, A replaced by G.
Protein change: p.Lys846Glu; replaces lysine 846 with glutamic acid.
Molecular consequence: missense variant.
Genome position (GRCh38, 1-based): chr9:106,926,448, A>G. VCF-style: chr9-106926448-A-G. GRCh37 (hg19) VCF-style: chr9-109688729-A-G.
Other names: c.2536A>G, p.Lys846Glu (NM_001347997.2); short protein forms K846E.
Identifiers: ClinVar variation 1704013 (VCV001704013.3), dbSNP rs2538756491, ClinGen allele CA374391569.

ClinVar aggregate classification (germline): Uncertain significance (1 of 4 stars; one submission).

Submission:

GeneDx
Classification: Uncertain significance. Last evaluated: 2023-05-26. Review status: criteria provided, single submitter. Criteria: GeneDx Variant Classification Process June 2021. Collection method: clinical testing. Allele origin: germline. Affected: yes.
Comment: Has not been previously published as pathogenic or benign to our knowledge; Not observed at significant frequency in large population cohorts (gnomAD); In silico analysis supports that this missense variant does not alter protein structure/function